The following is an entry in ClinVar:

NM_000540.3(RYR1):c.7802A>T (p.Asp2601Val)

Gene: RYR1 (ryanodine receptor 1; plus strand). Cytogenetic location: 19q13.2.
Variant type: single nucleotide variant.
Coding change: c.7802A>T on transcript NM_000540.3 (MANE Select); coding-DNA position 7802, A replaced by T.
Protein change: p.Asp2601Val; replaces aspartic acid 2601 with valine.
Molecular consequence: missense variant.
Genome position (GRCh38, 1-based): chr19:38,502,694, A>T. VCF-style: chr19-38502694-A-T. GRCh37 (hg19) VCF-style: chr19-38993334-A-T.
Other names: c.7802A>T, p.Asp2601Val (NM_001042723.2); short protein forms D2601V.
Identifiers: ClinVar variation 4689808 (VCV004689808.1).
Genomic context (GRCh38, chr19:38,502,694, plus strand): 5'-CTATGCTGCATACCGTGTACCGCCTGTCTCGGGGTCGTTCGCTCACCAAGGCGCAGCGTG[A>T]CGTCATCGAGGACTGCCTCATGTCGCTCTGCAGGTGGAGCGGGGCAGGCTTCAGGGTGGG-3'
Protein context (NP_000531.2, residues 2591-2611): RGRSLTKAQR[Asp2601Val]VIEDCLMSLC

ClinVar aggregate classification (germline): Uncertain significance (1 of 4 stars; one submission).

Submission:

GeneDx
Classification: Uncertain significance. Last evaluated: 2025-07-30. Review status: criteria provided, single submitter. Criteria: GeneDx Variant Classification Process June 2021. Collection method: clinical testing. Allele origin: germline. Affected: yes.
Comment: Not observed at significant frequency in large population cohorts (gnomAD); In silico analysis supports that this missense variant has a deleterious effect on protein structure/function; Has not been previously published as pathogenic or benign to our knowledge